The following is an entry in ClinVar:

ClinVar aggregate classification (germline): Uncertain significance (1 of 4 stars; one submission).

Conditions:
Intellectual developmental disorder, autosomal dominant 6, with or without seizures. Also called: GRIN2B-related developmental delay, intellectual disability and autism spectrum disorder; Intellectual disability, autosomal dominant 6. Identifiers: Orphanet 589547, MedGen C3151411, MONDO:0013509, OMIM 613970.
Developmental and epileptic encephalopathy, 27 (DEE27). Also called: Epileptic encephalopathy, early infantile, 27; GRIN2B-Related Neurodevelopmental Disorder. Identifiers: Orphanet 3451, MedGen C4015316, MONDO:0014505, OMIM 616139.

Submission:

Labcorp Genetics (formerly Invitae), Labcorp
Classification: Uncertain significance for Developmental and epileptic encephalopathy, 27; Intellectual developmental disorder, autosomal dominant 6, with or without seizures. Last evaluated: 2025-03-17. Review status: criteria provided, single submitter. Criteria: Invitae Variant Classification Sherloc (09022015). Collection method: clinical testing. Allele origin: germline.
Comment: This sequence change replaces glycine, which is neutral and non-polar, with alanine, which is neutral and non-polar, at codon 1051 of the GRIN2B protein (p.Gly1051Ala). This variant is not present in population databases (gnomAD no frequency). This variant has not been reported in the literature in individuals affected with GRIN2B-related conditions. ClinVar contains an entry for this variant (Variation ID: 2950860). Invitae Evidence Modeling of protein sequence and biophysical properties (such as structural, functional, and spatial information, amino acid conservation, physicochemical variation, residue mobility, and thermodynamic stability) indicates that this missense variant is not expected to disrupt GRIN2B protein function with a negative predictive value of 95%. In summary, the available evidence is currently insufficient to determine the role of this variant in disease. Therefore, it has been classified as a Variant of Uncertain Significance.

NM_000834.5(GRIN2B):c.3152G>C (p.Gly1051Ala)

Gene: GRIN2B (glutamate ionotropic receptor NMDA type subunit 2B; minus strand). Cytogenetic location: 12p13.1.
Variant type: single nucleotide variant.
Coding change: c.3152G>C on transcript NM_000834.5 (MANE Select); coding-DNA position 3152, G replaced by C.
Protein change: p.Gly1051Ala; replaces glycine 1051 with alanine.
Molecular consequence: missense variant.
Genome position (GRCh38, 1-based): chr12:13,564,086, C>G on the plus strand (G>C on the coding strand, the complement: GRIN2B is on the minus strand). VCF-style: chr12-13564086-C-G. GRCh37 (hg19) VCF-style: chr12-13717020-C-G.
Other names: c.3152G>C, p.Gly1051Ala (NM_001413992.1); short protein forms G1051A.
Identifiers: ClinVar variation 2950860 (VCV002950860.3), dbSNP rs2497469786, ClinGen allele CA383990675.